The following is an entry in ClinVar:

NM_001297.5(CNGB1):c.2834G>A (p.Arg945Gln)

Gene: CNGB1 (cyclic nucleotide gated channel subunit beta 1; minus strand). Cytogenetic location: 16q21.
Variant type: single nucleotide variant.
Coding change: c.2834G>A on transcript NM_001297.5 (MANE Select); coding-DNA position 2834, G replaced by A.
Protein change: p.Arg945Gln; replaces arginine 945 with glutamine.
Molecular consequence: missense variant.
Genome position (GRCh38, 1-based): chr16:57,901,586, C>T on the plus strand (G>A on the coding strand, the complement: CNGB1 is on the minus strand). VCF-style: chr16-57901586-C-T. GRCh37 (hg19) VCF-style: chr16-57935490-C-T.
Other names: c.2816G>A, p.Arg939Gln (NM_001286130.2); short protein forms R945Q, R939Q.
Identifiers: ClinVar variation 1959040 (VCV001959040.2), dbSNP rs368110743, ClinGen allele CA8082805.

ClinVar aggregate classification (germline): Uncertain significance (1 of 4 stars; one submission).

Allele frequency attached by ClinVar (database versions not stated): gnomAD exomes 0.00001; ExAC 0.00002; gnomAD 0.00003; TOPMed 0.00003; ESP Exome Variant Server 0.00016.
gnomAD v4.1: 22 of 1,614,020 alleles (0.0014%); highest among the groups gnomAD compares: African/African-American, 0.0067%; no homozygotes.

Submission:

Labcorp Genetics (formerly Invitae), Labcorp
Classification: Uncertain significance. Last evaluated: 2022-04-06. Review status: criteria provided, single submitter. Criteria: Invitae Variant Classification Sherloc (09022015). Collection method: clinical testing. Allele origin: germline.
Comment: This sequence change replaces arginine, which is basic and polar, with glutamine, which is neutral and polar, at codon 945 of the CNGB1 protein (p.Arg945Gln). This variant is present in population databases (rs368110743, gnomAD 0.007%). This variant has not been reported in the literature in individuals affected with CNGB1-related conditions. Advanced modeling of protein sequence and biophysical properties (such as structural, functional, and spatial information, amino acid conservation, physicochemical variation, residue mobility, and thermodynamic stability) performed at Invitae indicates that this missense variant is not expected to disrupt CNGB1 protein function. In summary, the available evidence is currently insufficient to determine the role of this variant in disease. Therefore, it has been classified as a Variant of Uncertain Significance.